The following is an entry in ClinVar:

ClinVar aggregate classification (germline): Uncertain significance (1 of 4 stars; one submission).

Submission:

Labcorp Genetics (formerly Invitae), Labcorp
Classification: Uncertain significance. Last evaluated: 2024-09-24. Review status: criteria provided, single submitter. Criteria: Invitae Variant Classification Sherloc (09022015). Collection method: clinical testing. Allele origin: germline.
Comment: This sequence change affects codon 22 of the ACVR1 mRNA. It is a 'silent' change, meaning that it does not change the encoded amino acid sequence of the ACVR1 protein. It affects a nucleotide within the consensus splice site. This variant is not present in population databases (gnomAD no frequency). This variant has not been reported in the literature in individuals affected with ACVR1-related conditions. Algorithms developed to predict the effect of sequence changes on RNA splicing suggest that this variant is not likely to affect RNA splicing. In summary, the available evidence is currently insufficient to determine the role of this variant in disease. Therefore, it has been classified as a Variant of Uncertain Significance.

NM_001111067.4(ACVR1):c.66A>G (p.Glu22=)

Gene: ACVR1 (activin A receptor type 1; minus strand). Cytogenetic location: 2q24.1.
Variant type: single nucleotide variant.
Coding change: c.66A>G on transcript NM_001111067.4 (MANE Select); coding-DNA position 66, A replaced by G.
Protein change: p.Glu22=; no amino-acid change (glutamic acid 22 retained).
Molecular consequence: synonymous variant.
Genome position (GRCh38, 1-based): chr2:157,799,428, T>C on the plus strand (A>G on the coding strand, the complement: ACVR1 is on the minus strand). VCF-style: chr2-157799428-T-C. GRCh37 (hg19) VCF-style: chr2-158655940-T-C.
Other names: c.66A>G, p.Glu22= (NM_001105.5, NM_001347663.1, NM_001347664.1 and 3 more transcripts).
Identifiers: ClinVar variation 3692312 (VCV003692312.2).